The following is an entry in ClinVar:

ClinVar aggregate classification (germline): Uncertain significance (1 of 4 stars; one submission).

Conditions:
Singleton-Merten syndrome 1 (SGMRT1). Also called: Widened medullary cavities of bone, aortic calcification, abnormal dentition, and muscular weakness; Syndrome of widened medullary cavities of the metacarpals and phalanges, aortic calcification and abnormal dentition. Identifiers: Orphanet 85191, MedGen C4225427, MONDO:0024535, OMIM 182250.
Aicardi-Goutieres syndrome 7 (AGS7). Identifiers: Orphanet 51, MedGen C3888244, MONDO:0014367, OMIM 615846.

Allele frequency attached by ClinVar (database versions not stated): gnomAD 0.00001; ExAC 0.00002; gnomAD exomes 0.00002 and 0.00010; TOPMed 0.00002.
gnomAD v4.1: 149 of 1,612,888 alleles (0.0092%); highest among the groups gnomAD compares: Non-Finnish European, 0.012%; no homozygotes.

Submission:

Labcorp Genetics (formerly Invitae), Labcorp
Classification: Uncertain significance for Aicardi-Goutieres syndrome 7; Singleton-Merten syndrome 1. Last evaluated: 2024-12-30. Review status: criteria provided, single submitter. Criteria: Invitae Variant Classification Sherloc (09022015). Collection method: clinical testing. Allele origin: germline.
Comment: This sequence change replaces lysine, which is basic and polar, with arginine, which is basic and polar, at codon 897 of the IFIH1 protein (p.Lys897Arg). This variant is present in population databases (rs772381153, gnomAD 0.004%). This variant has not been reported in the literature in individuals affected with IFIH1-related conditions. ClinVar contains an entry for this variant (Variation ID: 1484725). An algorithm developed to predict the effect of missense changes on protein structure and function outputs the following: PolyPhen-2: "Benign". The arginine amino acid residue is found in multiple mammalian species, which suggests that this missense change does not adversely affect protein function. In summary, the available evidence is currently insufficient to determine the role of this variant in disease. Therefore, it has been classified as a Variant of Uncertain Significance.

NM_022168.4(IFIH1):c.2690A>G (p.Lys897Arg)

Gene: IFIH1 (interferon induced with helicase C domain 1; minus strand). Cytogenetic location: 2q24.2.
Variant type: single nucleotide variant.
Coding change: c.2690A>G on transcript NM_022168.4 (MANE Select); coding-DNA position 2690, A replaced by G.
Protein change: p.Lys897Arg; replaces lysine 897 with arginine.
Molecular consequence: missense variant.
Genome position (GRCh38, 1-based): chr2:162,268,204, T>C on the plus strand (A>G on the coding strand, the complement: IFIH1 is on the minus strand). VCF-style: chr2-162268204-T-C. GRCh37 (hg19) VCF-style: chr2-163124714-T-C.
Other names: short protein forms K897R.
Identifiers: ClinVar variation 1484725 (VCV001484725.8), dbSNP rs772381153, ClinGen allele CA1934098.